The following is an entry in ClinVar:

ClinVar aggregate classification (germline): Pathogenic/Likely pathogenic. Review status: criteria provided, multiple submitters, no conflicts (2 of 4 stars). 3 submissions from 3 submitters: Pathogenic (2); Likely pathogenic (1). Last evaluated 2025-05-11.

Conditions:
Inborn genetic diseases. Identifiers: MedGen C0950123, MeSH D030342.
Episodic ataxia type 1 (EA1). Also called: MYOKYMIA WITH PERIODIC ATAXIA; Episodic ataxia/myokymia syndrome; PAROXYSMAL ATAXIA WITH NEUROMYOTONIA, HEREDITARY; ATAXIA, EPISODIC, WITH MYOKYMIA. Identifiers: Orphanet 37612, Orphanet 972, MedGen C1719788, MONDO:0008047, OMIM 160120.

Submissions (3):

GeneDx
Classification: Pathogenic. Last evaluated: 2025-05-11. Review status: criteria provided, single submitter. Criteria: GeneDx Variant Classification Process June 2021. Collection method: clinical testing. Allele origin: germline. Affected: yes.
Comment: Not observed at significant frequency in large population cohorts (gnomAD); In-frame deletion of 1 amino acid(s) in a non-repeat region; In silico analysis supports a deleterious effect on protein structure/function; This variant is associated with the following publications: (PMID: 37240170, 17912752, 30128325)

Labcorp Genetics (formerly Invitae), Labcorp
Classification: Pathogenic for Episodic ataxia type 1. Last evaluated: 2024-05-04. Review status: criteria provided, single submitter. Criteria: Invitae Variant Classification Sherloc (09022015). Collection method: clinical testing. Allele origin: germline.
Comment: This variant, c.748_750del, results in the deletion of 1 amino acid(s) of the KCNA1 protein (p.Phe250del), but otherwise preserves the integrity of the reading frame. This variant is not present in population databases (gnomAD no frequency). This variant has been observed in individual(s) with episodic ataxia (PMID: 17912752, 30128325). It has also been observed to segregate with disease in related individuals. ClinVar contains an entry for this variant (Variation ID: 2236795). For these reasons, this variant has been classified as Pathogenic.

Ambry Genetics
Classification: Likely pathogenic for Inborn genetic diseases. Last evaluated: 2021-08-27. Review status: criteria provided, single submitter. Criteria: Ambry Variant Classification Scheme 2023. Collection method: clinical testing. Allele origin: germline.
Comment: The c.748_750delTTC (p.F250del) alteration, located in exon 2 (coding exon 1) of the KCNA1 gene, results from an in-frame deletion of 3 nucleotides between nucleotide positions 748 to 750. This results in the deletion of a phenylalanine (F) residue at codon 250. This variant was not reported in population-based cohorts in the Genome Aggregation Database (gnomAD). This alteration was reported in multiple patients with episodic ataxia type 1 and their affected family members (Shook, 2008; Graves, 2014; Zima, 2018). This amino acid position is highly conserved in available vertebrate species. Based on the available evidence, this alteration is classified as likely pathogenic.

Literature cited by the submitters: PubMed 17912752 (cited by Labcorp Genetics (formerly Invitae), Labcorp and Ambry Genetics); PubMed 30128325 (cited by Labcorp Genetics (formerly Invitae), Labcorp and Ambry Genetics); PubMed 23056405 (cited by Ambry Genetics); PubMed 24578548 (cited by Ambry Genetics).

NM_000217.3(KCNA1):c.745TTC[1] (p.Phe250del)

Gene: KCNA1 (potassium voltage-gated channel subfamily A member 1; plus strand). Cytogenetic location: 12p13.32.
Variant type: Microsatellite.
Coding change: c.745TTC[1] on transcript NM_000217.3 (MANE Select); one copy of the 3-base unit TTC starting at c.745; the reference has two copies in a row; one copy, 3 bases deleted; also written c.748_750del.
Protein change: p.Phe250del; deletes phenylalanine 250.
Molecular consequence: inframe deletion.
Genome position (GRCh38, 1-based): chr12:4,912,126-4,912,128, TTC deleted; deleting any 3 consecutive bases within chr12:4,912,122-4,912,128 gives the same sequence; the position shown is the placement nearest the transcript's 3' end. VCF-style (leftmost placement, unchanged base first): chr12-4912121-ACTT-A. GRCh37 (hg19) VCF-style: chr12-5021287-ACTT-A.
Other names: F250delF; c.748_750del (NM_000217.2); c.748_750delTTC (NM_000217.2); short protein forms F250del.
Identifiers: ClinVar variation 2236795 (VCV002236795.5), dbSNP rs113994120, ClinGen allele CA341656.